The following is an entry in ClinVar:

ClinVar aggregate classification (germline): Uncertain significance (1 of 4 stars; one submission).

Conditions:
Hereditary pheochromocytoma and paraganglioma. Also called: Hereditary paragangliomas and pheochromocytomas; Hereditary Paraganglioma-Pheochromocytoma Syndromes; Hereditary pheochromocytoma-paraganglioma. Identifiers: Orphanet 29072, MedGen C4274332, MONDO:0017366.

Submission:

Labcorp Genetics (formerly Invitae), Labcorp
Classification: Uncertain significance for Hereditary pheochromocytoma and paraganglioma. Last evaluated: 2023-01-17. Review status: criteria provided, single submitter. Criteria: Invitae Variant Classification Sherloc (09022015). Collection method: clinical testing. Allele origin: germline.
Comment: This sequence change replaces glycine, which is neutral and non-polar, with serine, which is neutral and polar, at codon 6 of the TMEM127 protein (p.Gly6Ser). In summary, the available evidence is currently insufficient to determine the role of this variant in disease. Therefore, it has been classified as a Variant of Uncertain Significance. Algorithms developed to predict the effect of missense changes on protein structure and function are either unavailable or do not agree on the potential impact of this missense change (SIFT: "Deleterious"; PolyPhen-2: "Not Available"; Align-GVGD: "Class C0"). This variant has not been reported in the literature in individuals affected with TMEM127-related conditions. This variant is not present in population databases (gnomAD no frequency).

NM_017849.4(TMEM127):c.16G>A (p.Gly6Ser)

Genes: TMEM127 (transmembrane protein 127; minus strand), LOC129934333 (ATAC-STARR-seq lymphoblastoid silent region 11759; plus strand). Cytogenetic location: 2q11.2.
Variant type: single nucleotide variant.
Coding change: c.16G>A on transcript NM_017849.4 (MANE Select); coding-DNA position 16, G replaced by A.
Protein change: p.Gly6Ser; replaces glycine 6 with serine.
Molecular consequence: missense variant. On other transcripts: intron variant (1).
Genome position (GRCh38, 1-based): chr2:96,265,366, C>T on the plus strand (G>A on the coding strand, the complement: TMEM127 is on the minus strand). VCF-style: chr2-96265366-C-T. GRCh37 (hg19) VCF-style: chr2-96931104-C-T.
Other names: c.16G>A, p.Gly6Ser (NM_001193304.3); c.-9+503G>A (NM_001407283.1); short protein forms G6S.
Identifiers: ClinVar variation 2829381 (VCV002829381.3), dbSNP rs2467286325, ClinGen allele CA347656329.